The following is an entry in ClinVar:

ClinVar aggregate classification (germline): Pathogenic (1 of 4 stars; one submission).

Submission:

Labcorp Genetics (formerly Invitae), Labcorp
Classification: Pathogenic. Last evaluated: 2022-07-05. Review status: criteria provided, single submitter. Criteria: Invitae Variant Classification Sherloc (09022015). Collection method: clinical testing. Allele origin: germline.
Comment: For these reasons, this variant has been classified as Pathogenic. This variant disrupts a region of the CHM protein in which other variant(s) (Deletion (Exon 15)) have been determined to be pathogenic (PMID: 28752371). This suggests that this is a clinically significant region of the protein, and that variants that disrupt it are likely to be disease-causing. This variant has not been reported in the literature in individuals affected with CHM-related conditions. This variant is a gross deletion of the genomic region encompassing exon(s) 12-15 of the CHM gene, which includes the termination codon. This deletion extends beyond the assayed region for this gene and therefore may encompass additional genes. While this deletion is not anticipated to lead to nonsense mediated decay, it is expected to alter mRNA translation or result in a truncated protein product.

Literature cited by the submitters: PubMed 28752371.

NC_000023.10:g.(?_85119635)_(85149309_?)del

Gene: CHM (CHM Rab escort protein; minus strand). Cytogenetic location: Xq21.2.
Variant type: Deletion.
Identifiers: ClinVar variation 2423012 (VCV002423012.4).